The following is an entry in ClinVar:

NM_019066.5(MAGEL2):c.80C>T (p.Thr27Met)

Gene: MAGEL2 (MAGE family member L2; minus strand). Cytogenetic location: 15q11.2.
Variant type: single nucleotide variant.
Coding change: c.80C>T on transcript NM_019066.5 (MANE Select); coding-DNA position 80, C replaced by T.
Protein change: p.Thr27Met; replaces threonine 27 with methionine.
Molecular consequence: missense variant.
Genome position (GRCh38, 1-based): chr15:23,647,663, G>A on the plus strand (C>T on the coding strand, the complement: MAGEL2 is on the minus strand). VCF-style: chr15-23647663-G-A. GRCh37 (hg19) VCF-style: chr15-23892810-G-A.
Other names: short protein forms T27M.
Identifiers: ClinVar variation 3869654 (VCV003869654.3).

ClinVar aggregate classification (germline): Uncertain significance. Review status: criteria provided, multiple submitters, no conflicts (2 of 4 stars). 3 submissions from 3 submitters: Uncertain significance (3). Last evaluated 2026-08-21.

Conditions:
MAGEL2-related disorder. Also called: MAGEL2-related condition.
Inborn genetic diseases. Identifiers: MedGen C0950123, MeSH D030342.

Submissions (3):

PreventionGenetics, part of Exact Sciences
Classification: Uncertain significance for MAGEL2-related condition. Last evaluated: 2026-08-21. Review status: criteria provided, single submitter. Criteria: ACMG Guidelines, 2015. Collection method: clinical testing. Allele origin: germline.
Comment: The MAGEL2 c.80C>T variant is predicted to result in the amino acid substitution p.Thr27Met. To our knowledge, this variant has not been reported in the literature or in a large population database (gnomAD), indicating this variant is rare. At this time, the clinical significance of this variant is uncertain due to the absence of conclusive functional and genetic evidence.

Labcorp Genetics (formerly Invitae), Labcorp
Classification: Uncertain significance. Last evaluated: 2025-12-30. Review status: criteria provided, single submitter. Criteria: Invitae Variant Classification Sherloc (09022015). Collection method: clinical testing. Allele origin: germline.
Comment: This sequence change replaces threonine, which is neutral and polar, with methionine, which is neutral and non-polar, at codon 27 of the MAGEL2 protein (p.Thr27Met). This variant is not present in population databases (gnomAD no frequency). This variant has not been reported in the literature in individuals affected with MAGEL2-related conditions. ClinVar contains an entry for this variant (Variation ID: 3869654). Experimental studies and prediction algorithms are not available or were not evaluated, and the functional significance of this variant is currently unknown. In summary, the available evidence is currently insufficient to determine the role of this variant in disease. Therefore, it has been classified as a Variant of Uncertain Significance.

Ambry Genetics
Classification: Uncertain significance for Inborn genetic diseases. Last evaluated: 2025-02-25. Review status: criteria provided, single submitter. Criteria: Ambry Variant Classification Scheme 2023. Collection method: clinical testing. Allele origin: germline.